The following is an entry in ClinVar:

ClinVar aggregate classification (germline): Uncertain significance (1 of 4 stars; one submission).

Conditions:
Emery-Dreifuss muscular dystrophy 4, autosomal dominant (EDMD4). Also called: EMERY-DREIFUSS MUSCULAR DYSTROPHY 4 WITH VARIABLE FEATURES. Identifiers: Orphanet 261, MedGen C2751807, MONDO:0013071, OMIM 612998.
Autosomal recessive ataxia, Beauce type. Also called: SYNE1 Deficiency; Spinocerebellar ataxia, autosomal recessive 8; ATAXIA, RECESSIVE, OF BEAUCE; SYNE1-Related Autosomal Recessive Cerebellar Ataxia. Identifiers: Orphanet 88644, MedGen C1853116, MONDO:0012549, OMIM 610743.

gnomAD v4.1: 1 of 1,614,112 alleles (0.000062%); no homozygotes.

Submission:

Labcorp Genetics (formerly Invitae), Labcorp
Classification: Uncertain significance for Emery-Dreifuss muscular dystrophy 4, autosomal dominant; Autosomal recessive ataxia, Beauce type. Last evaluated: 2024-04-25. Review status: criteria provided, single submitter. Criteria: Invitae Variant Classification Sherloc (09022015). Collection method: clinical testing. Allele origin: germline.
Comment: This sequence change replaces glutamic acid, which is acidic and polar, with glutamine, which is neutral and polar, at codon 1644 of the SYNE1 protein (p.Glu1644Gln). This variant is not present in population databases (gnomAD no frequency). This variant has not been reported in the literature in individuals affected with SYNE1-related conditions. ClinVar contains an entry for this variant (Variation ID: 1957406). Algorithms developed to predict the effect of missense changes on protein structure and function output the following: SIFT: "Not Available"; PolyPhen-2: "Benign"; Align-GVGD: "Not Available". The glutamine amino acid residue is found in multiple mammalian species, which suggests that this missense change does not adversely affect protein function. In summary, the available evidence is currently insufficient to determine the role of this variant in disease. Therefore, it has been classified as a Variant of Uncertain Significance.

NM_182961.4(SYNE1):c.4909G>C (p.Glu1637Gln)

Gene: SYNE1 (spectrin repeat containing nuclear envelope protein 1; minus strand). Cytogenetic location: 6q25.2.
Variant type: single nucleotide variant.
Coding change: c.4909G>C on transcript NM_182961.4 (MANE Select); coding-DNA position 4909, G replaced by C.
Protein change: p.Glu1637Gln; replaces glutamic acid 1637 with glutamine.
Molecular consequence: missense variant.
Genome position (GRCh38, 1-based): chr6:152,428,272, C>G on the plus strand (G>C on the coding strand, the complement: SYNE1 is on the minus strand). VCF-style: chr6-152428272-C-G. GRCh37 (hg19) VCF-style: chr6-152749407-C-G.
Other names: c.4930G>C, p.Glu1644Gln (NM_033071.5); short protein forms E1644Q, E1637Q.
Identifiers: ClinVar variation 1957406 (VCV001957406.5), dbSNP rs148885424, ClinGen allele CA366140576.
Genomic context (GRCh38, chr6:152,428,272, plus strand): 5'-AGTGGGCCAGCAGATTCTCCAGCGCCGTCTGTCTCTCCTTCGCCCTCCTTAGGATGTCCT[C>G]GTATTGCTGCTGTAGAGCCGCAGCCTCCTGAACACAGGAATCTCTGTTCACAACCTTCCT-3'
Protein context (NP_892006.3, residues 1627-1647): QEAAALQQQY[Glu1637Gln]DILRRAKERQ